The following is an entry in ClinVar:

ClinVar aggregate classification (germline): Uncertain significance (1 of 4 stars; one submission).

Conditions:
CASR-related disorder. Also called: CASR-related condition.

Submission:

PreventionGenetics, part of Exact Sciences
Classification: Uncertain significance for CASR-related condition. Last evaluated: 2023-02-09. Review status: criteria provided, single submitter. Criteria: ACMG Guidelines, 2015. Collection method: clinical testing. Allele origin: germline.
Comment: The CASR c.580G>T variant is predicted to result in the amino acid substitution p.Ala194Ser. To our knowledge, this variant has not been reported in the literature or in a large population database, indicating this variant is rare. A different amino acid substitution at this position (p.Ala194Val) has been reported in a patient with familial hypocalciuric hypercalcemia (Wolf et al 2014. PubMed ID: 24947037). At this time, the clinical significance of this variant is uncertain due to the absence of conclusive functional and genetic evidence.

NM_000388.4(CASR):c.580G>T (p.Ala194Ser)

Gene: CASR (calcium sensing receptor; plus strand). Cytogenetic location: 3q21.1.
Variant type: single nucleotide variant.
Coding change: c.580G>T on transcript NM_000388.4 (MANE Select); coding-DNA position 580, G replaced by T.
Protein change: p.Ala194Ser; replaces alanine 194 with serine.
Molecular consequence: missense variant.
Genome position (GRCh38, 1-based): chr3:122,261,615, G>T. VCF-style: chr3-122261615-G-T. GRCh37 (hg19) VCF-style: chr3-121980462-G-T.
Other names: c.580G>T, p.Ala194Ser (NM_001178065.2); short protein forms A194S.
Identifiers: ClinVar variation 2630477 (VCV002630477.1), dbSNP rs2473225454, ClinGen allele CA354150891.